The following is an entry in ClinVar:

ClinVar aggregate classification (germline): not provided (0 of 4 stars; one submission).

Submission:

ITMI
No classification provided. Condition: AllHighlyPenetrant. Last evaluated: 2013-09-19. Review status: no classification provided. Collection method: reference population. Allele origin: germline.
Comment: Please see associated publication for description of ethnicities

Literature cited by the submitters: PubMed 24728327.

NM_001378743.1(CYLD):c.344A>G (p.Asn115Ser)

Gene: CYLD (CYLD lysine 63 deubiquitinase; plus strand). Cytogenetic location: 16q12.1.
Variant type: single nucleotide variant.
Coding change: c.344A>G on transcript NM_001378743.1 (MANE Select); coding-DNA position 344, A replaced by G.
Protein change: p.Asn115Ser; replaces asparagine 115 with serine.
Molecular consequence: missense variant. On other transcripts: 5 prime UTR variant (2), non-coding transcript variant (1).
Genome position (GRCh38, 1-based): chr16:50,750,042, A>G. VCF-style: chr16-50750042-A-G. GRCh37 (hg19) VCF-style: chr16-50783953-A-G.
Other names: c.344A>G, p.Asn115Ser (NM_001042355.2, NM_001042412.3, NM_001378744.1 and 10 more transcripts); c.-319A>G (NM_001378754.1, NM_001378755.1); short protein forms N115S.
Identifiers: ClinVar variation 133956 (VCV000133956.1), dbSNP rs587778224, ClinGen allele CA158240.